The following is an entry in ClinVar:

ClinVar aggregate classification (germline): Conflicting classifications of pathogenicity. Review status: criteria provided, conflicting classifications (1 of 4 stars). 6 submissions from 6 submitters: Uncertain significance (3); Likely benign (3). Last evaluated 2026-06-16.

Conditions:
Congenital afibrinogenemia. Identifiers: Orphanet 335, Orphanet 98880, MedGen C2584774, MONDO:0008737, OMIM 202400.
FGB-related disorder. Also called: FGB-related condition.

Allele frequency attached by ClinVar (database versions not stated): 1000 Genomes Project 0.00120; 1000 Genomes Project 30x 0.00125; gnomAD 0.00134; TOPMed 0.00137; ESP Exome Variant Server 0.00200.
gnomAD v4.1: 2,326 of 1,613,046 alleles (0.14%); highest among the groups gnomAD compares: Non-Finnish European, 0.17%; 3 homozygotes.

Submissions (6):

PreventionGenetics, part of Exact Sciences
Classification: Likely benign for FGB-related condition. Last evaluated: 2026-06-16. Review status: criteria provided, single submitter. Criteria: ACMG Guidelines, 2015. Collection method: clinical testing. Allele origin: germline.
Comment: This variant is classified as likely benign based on ACMG/AMP sequence variant interpretation guidelines (Richards et al. 2015 PMID: 25741868, with internal and published modifications).

Labcorp Genetics (formerly Invitae), Labcorp
Classification: Likely benign. Last evaluated: 2026-01-03. Review status: criteria provided, single submitter. Criteria: Invitae Variant Classification Sherloc (09022015). Collection method: clinical testing. Allele origin: germline.

Mayo Clinic Laboratories, Mayo Clinic
Classification: Likely benign. Last evaluated: 2025-02-24. Review status: criteria provided, single submitter. Criteria: ACMG Guidelines, 2015. Collection method: clinical testing. Allele origin: germline. Observed: 1 variant allele.
Comment: BS1, BP4_moderate

Women's Health and Genetics/Laboratory Corporation of America, LabCorp
Classification: Uncertain significance. Last evaluated: 2024-07-29. Review status: criteria provided, single submitter. Criteria: LabCorp Variant Classification Summary - May 2015. Collection method: clinical testing. Allele origin: germline.
Comment: Variant summary: FGB c.298C>T (p.Pro100Ser) results in a non-conservative amino acid change located in the Fibrinogen, alpha/beta/gamma chain, coiled coil domain (IPR012290) of the encoded protein sequence. Four of five in-silico tools predict a benign effect of the variant on protein function. The variant allele was found at a frequency of 0.0014 in 246910 control chromosomes in the gnomAD database, including 1 homozygote. This frequency is not significantly higher than estimated for a pathogenic variant in FGB causing Afibrinogenemia, Congenital, allowing no conclusion about variant significance. To our knowledge, c.298C>T has not been reported in the literature in individuals affected with Afibrinogenemia, Congenital and no experimental evidence demonstrating an impact on protein function has been reported. The following publication has been ascertained in the context of this evaluation (PMID: 22353194). ClinVar contains an entry for this variant (Variation ID: 696149). Based on the evidence outlined above, the variant was classified as uncertain significance.

Department of Pathology and Laboratory Medicine, Sinai Health System
Classification: Uncertain significance for Congenital afibrinogenemia. Last evaluated: 2022-06-09. Review status: criteria provided, single submitter. Criteria: ACMG Guidelines, 2015. Collection method: research. Allele origin: germline.

Illumina Laboratory Services, Illumina
Classification: Uncertain significance for Congenital afibrinogenemia. Last evaluated: 2017-04-27. Review status: criteria provided, single submitter. Criteria: ICSL Variant Classification Criteria 13 December 2019. Collection method: clinical testing. Allele origin: germline.
Comment: This variant was observed as part of a predisposition screen in an ostensibly healthy population. A literature search was performed for the gene, cDNA change, and amino acid change (where applicable). Publications were found based on this search. However, the evidence from the literature, in combination with allele frequency data from public databases where available, was not sufficient to rule this variant in or out of causing disease. Therefore, this variant is classified as a variant of unknown significance.

Literature cited by the submitters: PubMed 22353194 (cited by Women's Health and Genetics/Laboratory Corporation of America, LabCorp); PubMed 25592583 (cited by Illumina Laboratory Services, Illumina).

NM_005141.5(FGB):c.298C>T (p.Pro100Ser)

Gene: FGB (fibrinogen beta chain; plus strand). Cytogenetic location: 4q31.3.
Variant type: single nucleotide variant.
Coding change: c.298C>T on transcript NM_005141.5 (MANE Select); coding-DNA position 298, C replaced by T.
Protein change: p.Pro100Ser; replaces proline 100 with serine.
Molecular consequence: missense variant. On other transcripts: intron variant (1).
Genome position (GRCh38, 1-based): chr4:154,565,991, C>T. VCF-style: chr4-154565991-C-T. GRCh37 (hg19) VCF-style: chr4-155487143-C-T.
Other names: p.Pro100Ser; c.298C>T, p.Pro100Ser (NM_001382759.1, NM_001382760.1, NM_001382761.1 and 4 more transcripts); c.165+133C>T (NM_001184741.1); short protein forms P100S.
Identifiers: ClinVar variation 696149 (VCV000696149.16), dbSNP rs2227434, ClinGen allele CA3114484.